The following is an entry in ClinVar:

NM_001297595.2(SIN3B):c.3386C>T (p.Ser1129Leu)

Gene: SIN3B (SIN3 transcription regulator family member B; plus strand). Cytogenetic location: 19p13.11.
Variant type: single nucleotide variant.
Coding change: c.3386C>T on transcript NM_001297595.2 (MANE Select); coding-DNA position 3386, C replaced by T.
Protein change: p.Ser1129Leu; replaces serine 1129 with leucine.
Molecular consequence: missense variant.
Genome position (GRCh38, 1-based): chr19:16,878,720, C>T. VCF-style: chr19-16878720-C-T. GRCh37 (hg19) VCF-style: chr19-16989531-C-T.
Other names: c.2156C>T, p.Ser719Leu (NM_001297597.2); c.3482C>T, p.Ser1161Leu (NM_015260.4); c.3482C>T (NM_015260.2); short protein forms S1129L, S1161L, S719L.
Identifiers: ClinVar variation 3906137 (VCV003906137.10).

ClinVar aggregate classification (germline): Conflicting classifications of pathogenicity. Review status: criteria provided, conflicting classifications (1 of 4 stars). 2 submissions from 2 submitters: Uncertain significance (1); Benign (1). Last evaluated 2026-04-01.

gnomAD v4.1: 694 of 1,595,018 alleles (0.044%); highest among the groups gnomAD compares: African/African-American, 0.78%; 2 homozygotes.

Submissions (2):

CeGaT Center for Human Genetics Tuebingen
Classification: Benign. Last evaluated: 2026-04-01. Review status: criteria provided, single submitter. Criteria: CeGaT Center For Human Genetics Tuebingen Variant Classification Criteria Version 2. Collection method: clinical testing. Allele origin: germline. Affected: yes. Observed: 2 variant alleles.
Comment: SIN3B: BP4, BS1, BS2

Ambry Genetics
Classification: Uncertain significance. Last evaluated: 2025-10-02. Review status: criteria provided, single submitter. Criteria: Ambry Variant Classification Scheme 2023. Collection method: clinical testing. Allele origin: germline.